The following is an entry in ClinVar:

NM_025219.3(DNAJC5):c.108-3C>T

Gene: DNAJC5 (DnaJ heat shock protein family (Hsp40) member C5; plus strand). Cytogenetic location: 20q13.33.
Variant type: single nucleotide variant.
Coding change: c.108-3C>T on transcript NM_025219.3 (MANE Select); 3 bases into the intron before coding-DNA position 108, C replaced by T.
Molecular consequence: intron variant.
Genome position (GRCh38, 1-based): chr20:63,929,309, C>T. VCF-style: chr20-63929309-C-T. GRCh37 (hg19) VCF-style: chr20-62560662-C-T.
Identifiers: ClinVar variation 205377 (VCV000205377.17), dbSNP rs541118679, ClinGen allele CA314393.

ClinVar aggregate classification (germline): Benign/Likely benign. Review status: criteria provided, multiple submitters, no conflicts (2 of 4 stars). 5 submissions from 5 submitters: Benign (2); Likely benign (3). Last evaluated 2025-06-11.

Conditions:
Inborn genetic diseases. Identifiers: MedGen C0950123, MeSH D030342.
Neuronal ceroid lipofuscinosis. Also called: Neuronal Ceroid Lipofuscinoses. Identifiers: Orphanet 216, Orphanet 79263, MedGen C0027877, MONDO:0016295. Disease mechanism: loss of function.
Ceroid lipofuscinosis, neuronal, 4 (Kufs type) (CLN4). Also called: Ceroid lipofuscinosis, neuronal, 4, Parry type; Neuronal ceroid lipofuscinosis 4B. Identifiers: Orphanet 228343, Orphanet 79262, MedGen C1834207, MONDO:0008083, OMIM 162350.

Allele frequency attached by ClinVar (database versions not stated): gnomAD 0.00004 and 0.00007; TOPMed 0.00006; gnomAD exomes 0.00015 and 0.00019; 1000 Genomes Project 30x 0.00016; 1000 Genomes Project 0.00020; ExAC 0.00026.
gnomAD v4.1: 219 of 1,613,184 alleles (0.014%); highest among the groups gnomAD compares: South Asian, 0.14%; 1 homozygote.

Submissions (5):

Labcorp Genetics (formerly Invitae), Labcorp
Classification: Likely benign for Neuronal ceroid lipofuscinosis. Last evaluated: 2025-06-11. Review status: criteria provided, single submitter. Criteria: Invitae Variant Classification Sherloc (09022015). Collection method: clinical testing. Allele origin: germline.

Blueprint Genetics
Classification: Benign. Last evaluated: 2024-10-23. Review status: criteria provided, single submitter. Criteria: ACMG Guidelines, 2015. Collection method: clinical testing. Allele origin: germline.

Ambry Genetics
Classification: Likely benign for Inborn genetic diseases. Last evaluated: 2024-05-01. Review status: criteria provided, single submitter. Criteria: Ambry Variant Classification Scheme 2023. Collection method: clinical testing. Allele origin: germline.

GeneDx
Classification: Likely benign. Last evaluated: 2019-11-20. Review status: criteria provided, single submitter. Criteria: GeneDx Variant Classification Process June 2021. Collection method: clinical testing. Allele origin: germline. Affected: yes.
Comment: Has not been previously published as pathogenic or benign to our knowledge

Illumina Laboratory Services, Illumina
Classification: Benign for Ceroid lipofuscinosis, neuronal, 4 (Kufs type). Last evaluated: 2018-01-12. Review status: criteria provided, single submitter. Criteria: ICSL Variant Classification Criteria 13 December 2019. Collection method: clinical testing. Allele origin: germline.
Comment: This variant was observed in the ICSL laboratory as part of a predisposition screen in an ostensibly healthy population. It had not been previously curated by ICSL or reported in the Human Gene Mutation Database (HGMD: prior to June 1st, 2018), and was therefore a candidate for classification through an automated scoring system. Utilizing variant allele frequency, disease prevalence and penetrance estimates, and inheritance mode, an automated score was calculated to assess if this variant is too frequent to cause the disease. Based on the score and internal cut-off values, a variant classified as benign is not then subjected to further curation. The score for this variant resulted in a classification of benign for this disease.